The following is an entry in ClinVar:

ClinVar aggregate classification (germline): Uncertain significance (1 of 4 stars; one submission).

Conditions:
VPS13B-related disorder. Also called: VPS13B-related condition.

Submission:

PreventionGenetics, part of Exact Sciences
Classification: Uncertain significance for VPS13B-related condition. Last evaluated: 2025-09-25. Review status: criteria provided, single submitter. Criteria: ACMG Guidelines, 2015. Collection method: clinical testing. Allele origin: germline.
Comment: The VPS13B c.4883G>C variant is predicted to result in the amino acid substitution p.Gly1628Ala. To our knowledge, this variant has not been reported in the literature or in a large population database (gnomAD), indicating this variant is rare. At this time, the clinical significance of this variant is uncertain due to the absence of conclusive functional and genetic evidence.

NM_152564.5(VPS13B):c.4883G>C (p.Gly1628Ala)

Gene: VPS13B (vacuolar protein sorting 13 homolog B; plus strand). Cytogenetic location: 8q22.2.
Variant type: single nucleotide variant.
Coding change: c.4883G>C on transcript NM_152564.5 (MANE Select); coding-DNA position 4883, G replaced by C.
Protein change: p.Gly1628Ala; replaces glycine 1628 with alanine.
Molecular consequence: missense variant.
Genome position (GRCh38, 1-based): chr8:99,556,587, G>C. VCF-style: chr8-99556587-G-C. GRCh37 (hg19) VCF-style: chr8-100568815-G-C.
Other names: c.4958G>C, p.Gly1653Ala (NM_017890.5); short protein forms G1628A, G1653A.
Identifiers: ClinVar variation 4996203 (VCV004996203.1).